The following is an entry in ClinVar:

ClinVar aggregate classification (germline): Uncertain significance. Review status: criteria provided, multiple submitters, no conflicts (2 of 4 stars). 3 submissions from 3 submitters: Uncertain significance (3). Last evaluated 2026-01-30.

Conditions:
PHARC syndrome. Also called: Polyneuropathy-hearing loss-ataxia-retinitis pigmentosa-cataract syndrome. Identifiers: Orphanet 171848, MedGen C2675204, MONDO:0012984, OMIM 612674.

Allele frequency attached by ClinVar (database versions not stated): gnomAD exomes 0.00001.
gnomAD v4.1: 22 of 1,614,172 alleles (0.0014%); highest among the groups gnomAD compares: Non-Finnish European, 0.0017%; no homozygotes.

Submissions (3):

GeneDx
Classification: Uncertain significance. Last evaluated: 2026-01-30. Review status: criteria provided, single submitter. Criteria: GeneDx Variant Classification Process June 2021. Collection method: clinical testing. Allele origin: germline.
Comment: Not observed at significant frequency in large population cohorts (gnomAD); In silico analysis suggests that this missense variant does not alter protein structure/function; Has not been previously published as pathogenic or benign to our knowledge

Labcorp Genetics (formerly Invitae), Labcorp
Classification: Uncertain significance. Last evaluated: 2022-03-10. Review status: criteria provided, single submitter. Criteria: Invitae Variant Classification Sherloc (09022015). Collection method: clinical testing. Allele origin: germline.
Comment: This variant has not been reported in the literature in individuals affected with ABHD12-related conditions. This sequence change replaces arginine, which is basic and polar, with glutamine, which is neutral and polar, at codon 218 of the ABHD12 protein (p.Arg218Gln). This variant is present in population databases (no rsID available, gnomAD 0.006%). ClinVar contains an entry for this variant (Variation ID: 1032572). Algorithms developed to predict the effect of missense changes on protein structure and function output the following: SIFT: "Tolerated"; PolyPhen-2: "Benign"; Align-GVGD: "Class C0". The glutamine amino acid residue is found in multiple mammalian species, which suggests that this missense change does not adversely affect protein function. In summary, the available evidence is currently insufficient to determine the role of this variant in disease. Therefore, it has been classified as a Variant of Uncertain Significance.

Baylor Genetics
Classification: Uncertain significance for PHARC syndrome. Last evaluated: 2018-03-02. Review status: criteria provided, single submitter. Criteria: ACMG Guidelines, 2015. Collection method: clinical testing. Allele origin: paternal. Affected: yes.
Comment: This variant was determined to be of uncertain significance according to ACMG Guidelines, 2015 [PMID:25741868].

NM_001042472.3(ABHD12):c.653G>A (p.Arg218Gln)

Genes: ABHD12 (abhydrolase domain containing 12, lysophospholipase; minus strand), LOC126863008 (CDK7 strongly-dependent group 2 enhancer GRCh37_chr20:25289826-25291025; plus strand). Cytogenetic location: 20p11.21.
Variant type: single nucleotide variant.
Coding change: c.653G>A on transcript NM_001042472.3 (MANE Select); coding-DNA position 653, G replaced by A.
Protein change: p.Arg218Gln; replaces arginine 218 with glutamine.
Molecular consequence: missense variant.
Genome position (GRCh38, 1-based): chr20:25,309,542, C>T on the plus strand (G>A on the coding strand, the complement: ABHD12 is on the minus strand). VCF-style: chr20-25309542-C-T. GRCh37 (hg19) VCF-style: chr20-25290178-C-T.
Other names: c.653G>A, p.Arg218Gln (NM_015600.5); short protein forms R218Q.
Identifiers: ClinVar variation 1032572 (VCV001032572.6), dbSNP rs1182010524, ClinGen allele CA408456264.
Genomic context (GRCh38, chr20:25,309,542, plus strand): 5'-TTGTCACCACTTCTTGCTTTGATCCAGTCAAAAACGTGGAGTGCGTCATAGGTCATGCCC[C>T]GCTCAGATGGCGTTCCCACTGAGTCACCCCAACCTGGGAGGGAGAAACGGCAGGACGGGG-3'
Protein context (NP_001035937.1, residues 208-228): WGDSVGTPSE[Arg218Gln]GMTYDALHVF